The following is an entry in ClinVar:

ClinVar aggregate classification (germline): Uncertain significance. Review status: criteria provided, multiple submitters, no conflicts (2 of 4 stars). 3 submissions from 3 submitters: Uncertain significance (3). Last evaluated 2024-12-03.

Conditions:
Inborn genetic diseases. Identifiers: MedGen C0950123, MeSH D030342.

Allele frequency attached by ClinVar (database versions not stated): ExAC 0.00001; gnomAD 0.00004; TOPMed 0.00004; gnomAD exomes 0.00005 and 0.00009; ESP Exome Variant Server 0.00015.
gnomAD v4.1: 140 of 1,612,574 alleles (0.0087%); highest among the groups gnomAD compares: Non-Finnish European, 0.011%; no homozygotes.

Submissions (3):

Ambry Genetics
Classification: Uncertain significance for Inborn genetic diseases. Last evaluated: 2024-12-03. Review status: criteria provided, single submitter. Criteria: Ambry Variant Classification Scheme 2023. Collection method: clinical testing. Allele origin: germline.

Blueprint Genetics
Classification: Uncertain significance. Last evaluated: 2022-06-24. Review status: criteria provided, single submitter. Criteria: ACMG Guidelines, 2015. Collection method: clinical testing. Allele origin: germline.

Labcorp Genetics (formerly Invitae), Labcorp
Classification: Uncertain significance. Last evaluated: 2022-03-09. Review status: criteria provided, single submitter. Criteria: Invitae Variant Classification Sherloc (09022015). Collection method: clinical testing. Allele origin: germline.
Comment: This sequence change replaces serine, which is neutral and polar, with glycine, which is neutral and non-polar, at codon 1049 of the TTLL5 protein (p.Ser1049Gly). In summary, the available evidence is currently insufficient to determine the role of this variant in disease. Therefore, it has been classified as a Variant of Uncertain Significance. Algorithms developed to predict the effect of missense changes on protein structure and function (SIFT, PolyPhen-2, Align-GVGD) all suggest that this variant is likely to be tolerated. ClinVar contains an entry for this variant (Variation ID: 862471). This variant has not been reported in the literature in individuals affected with TTLL5-related conditions. This variant is present in population databases (rs147228168, gnomAD 0.01%).

NM_015072.5(TTLL5):c.3145A>G (p.Ser1049Gly)

Gene: TTLL5 (tubulin tyrosine ligase like 5; plus strand). Cytogenetic location: 14q24.3.
Variant type: single nucleotide variant.
Coding change: c.3145A>G on transcript NM_015072.5 (MANE Select); coding-DNA position 3145, A replaced by G.
Protein change: p.Ser1049Gly; replaces serine 1049 with glycine.
Molecular consequence: missense variant.
Genome position (GRCh38, 1-based): chr14:75,793,074, A>G. VCF-style: chr14-75793074-A-G. GRCh37 (hg19) VCF-style: chr14-76259417-A-G.
Other names: short protein forms S1049G.
Identifiers: ClinVar variation 862471 (VCV000862471.7), dbSNP rs147228168, ClinGen allele CA7279900.
Genomic context (GRCh38, chr14:75,793,074, plus strand): 5'-GTTACAGCTGAACTTCAGCGGCTAGCTGAGAAGCAGGCAGCGAGACAGTATTCTCCATCC[A>G]GCCACATCAACCTCCTCACCCAACAGGTACGGATGGTCTGGGGTGTCCAAGAGCTCTTTG-3'
Protein context (NP_055887.3, residues 1039-1059): KQAARQYSPS[Ser1049Gly]HINLLTQQVT